The following is an entry in ClinVar:

ClinVar aggregate classification (germline): Uncertain significance. Review status: criteria provided, single submitter (1 of 4 stars). 3 submissions from 3 submitters: Uncertain significance (1). 2 of the submissions do not count toward it. Last evaluated 2025-09-23.

Conditions:
Asphyxiating thoracic dystrophy 3. Also called: SHORT-RIB THORACIC DYSPLASIA 3 WITH OR WITHOUT POLYDACTYLY; POLYDACTYLY WITH NEONATAL CHONDRODYSTROPHY, TYPE I; SHORT-RIB THORACIC DYSPLASIA 3/6 WITH POLYDACTYLY, DIGENIC; Saldino-Noonan Syndrome; Short rib polydactyly syndrome 2B. Identifiers: Orphanet 474, Orphanet 93269, Orphanet 93270, Orphanet 93271, MedGen C0036069, MONDO:0013127, OMIM 613091.

Allele frequency attached by ClinVar (database versions not stated): gnomAD exomes below 0.00001.

Submissions (3):

Myriad Genetics, Inc.
Classification: Uncertain significance for Asphyxiating thoracic dystrophy 3. Last evaluated: 2025-09-23. Review status: criteria provided, single submitter. Criteria: Myriad Autosomal Dominant, Autosomal Recessive and X-Linked Classification Criteria (2023). Collection method: clinical testing. Allele origin: unknown.
Comment: NM_001377.2(DYNC2H1):c.8070C>G(F2690L) is a missense variant classified as a variant of uncertain significance in the context of DYNC2H1-related disorders. F2690L has been observed in a case with relevant disease (PMID: 29068549). Relevant functional assessments of this variant are not available in the literature. F2690L has not been observed in referenced population frequency databases. In summary, there is insufficient evidence to classify NM_001377.2(DYNC2H1):c.8070C>G(F2690L) as pathogenic or benign. Please note: this variant was assessed in the context of healthy population screening.

Dan Cohn Lab, University Of California Los Angeles
Classification: Pathogenic for Asphyxiating thoracic dystrophy 3. Last evaluated: 2017-06-01. Review status: no assertion criteria provided. Collection method: research. Allele origin: unknown. Affected: yes. Not counted in ClinVar's aggregate classification.

University of Washington Center for Mendelian Genomics, University of Washington
Classification: Likely pathogenic for Asphyxiating thoracic dystrophy 3. Review status: no assertion criteria provided. Collection method: research. Allele origin: inherited. Affected: yes. Not counted in ClinVar's aggregate classification.

Literature cited by the submitters: PubMed 29068549 (cited by 3 submitters).

NM_001377.3(DYNC2H1):c.8070C>G (p.Phe2690Leu)

Gene: DYNC2H1 (dynein cytoplasmic 2 heavy chain 1; plus strand). Cytogenetic location: 11q22.3.
Variant type: single nucleotide variant.
Coding change: c.8070C>G on transcript NM_001377.3 (MANE Select); coding-DNA position 8070, C replaced by G.
Protein change: p.Phe2690Leu; replaces phenylalanine 2690 with leucine.
Molecular consequence: missense variant.
Genome position (GRCh38, 1-based): chr11:103,199,458, C>G. VCF-style: chr11-103199458-C-G. GRCh37 (hg19) VCF-style: chr11-103070187-C-G.
Other names: c.8070C>G, p.Phe2690Leu (NM_001080463.2); short protein forms F2690L.
Identifiers: ClinVar variation 446603 (VCV000446603.4), dbSNP rs1214801816, ClinGen allele CA382256948.
Genomic context (GRCh38, chr11:103,199,458, plus strand): 5'-CATGCATGGAGCGGTCCTGTTTTCTCCAAAGATTTCCAGAGGATATGAACTGAAGCAGTT[C>G]AAAAATGATCTCAAACATGTGAGTTGCCCACTCTCTTTTGCTTTATTTGGTTTTAAATTA-3'
Protein context (NP_001368.2, residues 2680-2700): KISRGYELKQ[Phe2690Leu]KNDLKHVLQL